The following is an entry in ClinVar:

ClinVar aggregate classification (germline): Uncertain significance. Review status: criteria provided, multiple submitters, no conflicts (2 of 4 stars). 2 submissions from 2 submitters: Uncertain significance (2). Last evaluated 2025-10-22.

Conditions:
Inborn genetic diseases. Identifiers: MedGen C0950123, MeSH D030342.
Inflammatory skin and bowel disease, neonatal, 1. Identifiers: Orphanet 294023, MedGen C3280501, MONDO:0013693, OMIM 614328.

Allele frequency attached by ClinVar (database versions not stated): gnomAD exomes 0.00004 and 0.00003; TOPMed 0.00006; gnomAD 0.00001 and 0.00002; ExAC 0.00002.
gnomAD v4.1: 63 of 1,600,226 alleles (0.0039%); highest among the groups gnomAD compares: Admixed American, 0.005%; no homozygotes.

Submissions (2):

Labcorp Genetics (formerly Invitae), Labcorp
Classification: Uncertain significance for Inflammatory skin and bowel disease, neonatal, 1. Last evaluated: 2025-10-22. Review status: criteria provided, single submitter. Criteria: Invitae Variant Classification Sherloc (09022015). Collection method: clinical testing. Allele origin: germline.
Comment: This sequence change replaces arginine, which is basic and polar, with histidine, which is basic and polar, at codon 813 of the ADAM17 protein (p.Arg813His). This variant is present in population databases (rs760757602, gnomAD 0.007%). This variant has not been reported in the literature in individuals affected with ADAM17-related conditions. ClinVar contains an entry for this variant (Variation ID: 961964). An algorithm developed to predict the effect of missense changes on protein structure and function (PolyPhen-2) suggests that this variant is likely to be disruptive. In summary, the available evidence is currently insufficient to determine the role of this variant in disease. Therefore, it has been classified as a Variant of Uncertain Significance.

Ambry Genetics
Classification: Uncertain significance for Inborn genetic diseases. Last evaluated: 2023-11-03. Review status: criteria provided, single submitter. Criteria: Ambry Variant Classification Scheme 2023. Collection method: clinical testing. Allele origin: germline.

NM_003183.6(ADAM17):c.2438G>A (p.Arg813His)

Genes: ADAM17 (ADAM metallopeptidase domain 17; minus strand), IAH1 (isoamyl acetate hydrolyzing esterase 1 (putative); plus strand). Cytogenetic location: 2p25.1.
Variant type: single nucleotide variant.
Coding change: c.2438G>A on transcript NM_003183.6 (MANE Select); coding-DNA position 2438, G replaced by A.
Protein change: p.Arg813His; replaces arginine 813 with histidine.
Molecular consequence: missense variant.
Genome position (GRCh38, 1-based): chr2:9,490,214, C>T on the plus strand (G>A on the coding strand, the complement: ADAM17 is on the minus strand). VCF-style: chr2-9490214-C-T. GRCh37 (hg19) VCF-style: chr2-9630343-C-T.
Other names: c.1778G>A, p.Arg593His (NM_001382777.1); c.1541G>A, p.Arg514His (NM_001382778.1); c.2438G>A (NM_003183.4); short protein forms R593H, R813H, R514H.
Identifiers: ClinVar variation 961964 (VCV000961964.8), dbSNP rs760757602, ClinGen allele CA1523216.